The following is an entry in ClinVar:

NM_006431.3(CCT2):c.68C>G (p.Thr23Arg)

Gene: CCT2 (chaperonin containing TCP1 subunit 2; plus strand). Cytogenetic location: 12q15.
Variant type: single nucleotide variant.
Coding change: c.68C>G on transcript NM_006431.3 (MANE Select); coding-DNA position 68, C replaced by G.
Protein change: p.Thr23Arg; replaces threonine 23 with arginine.
Molecular consequence: missense variant. On other transcripts: 5 prime UTR variant (1).
Genome position (GRCh38, 1-based): chr12:69,586,334, C>G. VCF-style: chr12-69586334-C-G. GRCh37 (hg19) VCF-style: chr12-69980114-C-G.
Other names: c.-74C>G (NM_001198842.2); short protein forms T23R.
Identifiers: ClinVar variation 1400366 (VCV001400366.8), dbSNP rs1427365317, ClinGen allele CA385722793.

ClinVar aggregate classification (germline): Uncertain significance (1 of 4 stars; one submission).

Allele frequency attached by ClinVar (database versions not stated): TOPMed below 0.00001.
gnomAD v4.1: 1 of 1,610,466 alleles (0.000062%); highest among the groups gnomAD compares: Middle Eastern, 0.017%; no homozygotes.

Submission:

Labcorp Genetics (formerly Invitae), Labcorp
Classification: Uncertain significance. Last evaluated: 2021-06-05. Review status: criteria provided, single submitter. Criteria: Invitae Variant Classification Sherloc (09022015). Collection method: clinical testing. Allele origin: germline.
Comment: In summary, the available evidence is currently insufficient to determine the role of this variant in disease. Therefore, it has been classified as a Variant of Uncertain Significance. Algorithms developed to predict the effect of missense changes on protein structure and function are either unavailable or do not agree on the potential impact of this missense change (SIFT: "Deleterious"; PolyPhen-2: "Benign"; Align-GVGD: "Class C0"). This variant has not been reported in the literature in individuals with CCT2-related conditions. This variant is not present in population databases (ExAC no frequency). This sequence change replaces threonine with arginine at codon 23 of the CCT2 protein (p.Thr23Arg). The threonine residue is moderately conserved and there is a moderate physicochemical difference between threonine and arginine.